The following is an entry in ClinVar:

ClinVar aggregate classification (germline): Uncertain significance (1 of 4 stars; one submission).

Conditions:
Hereditary cancer-predisposing syndrome. Also called: Neoplastic Syndromes, Hereditary; Tumor predisposition; Hereditary neoplastic syndrome; Hereditary Cancer Syndrome. Identifiers: Orphanet 140162, MedGen C0027672, MeSH D009386, MONDO:0015356.

Submission:

Ambry Genetics
Classification: Uncertain significance for Hereditary cancer-predisposing syndrome. Last evaluated: 2026-07-07. Review status: criteria provided, single submitter. Criteria: Ambry Variant Classification Scheme 2023. Collection method: clinical testing. Allele origin: germline.
Comment: The p.K470N variant (also known as c.1410G>T), located in coding exon 10 of the FH gene, results from a G to T substitution at nucleotide position 1410. The lysine at codon 470 is replaced by asparagine, an amino acid with similar properties. This amino acid position is conserved. In addition, this alteration is predicted to be tolerated by in silico analysis. Based on the available evidence, the clinical significance of this variant remains unclear.

NM_000143.4(FH):c.1410G>T (p.Lys470Asn)

Gene: FH (fumarate hydratase; minus strand). Cytogenetic location: 1q43.
Variant type: single nucleotide variant.
Coding change: c.1410G>T on transcript NM_000143.4 (MANE Select); coding-DNA position 1410, G replaced by T.
Protein change: p.Lys470Asn; replaces lysine 470 with asparagine.
Molecular consequence: missense variant.
Genome position (GRCh38, 1-based): chr1:241,497,951, C>A on the plus strand (G>T on the coding strand, the complement: FH is on the minus strand). VCF-style: chr1-241497951-C-A. GRCh37 (hg19) VCF-style: chr1-241661251-C-A.
Other names: short protein forms K470N.
Identifiers: ClinVar variation 5021761 (VCV005021761.1).
Genomic context (GRCh38, chr1:241,497,951, plus strand): 5'-GCCAAGTTCGATAGCAGTTTCCTTTAAGGTTGATCCATTTTTGTGTGCTGTCTTAGCAAT[C>A]TTTGCTGCCTTGTCATACCCTGAAGAAAAAATAAAAAGACGACATATGGGTTAGCAGTGA-3'
Protein context (NP_000134.2, residues 460-480): NPHIGYDKAA[Lys470Asn]IAKTAHKNGS